The following is an entry in ClinVar:

NM_001130823.3(DNMT1):c.4426C>A (p.His1476Asn)

Gene: DNMT1 (DNA methyltransferase 1; minus strand). Cytogenetic location: 19p13.2.
Variant type: single nucleotide variant.
Coding change: c.4426C>A on transcript NM_001130823.3 (MANE Select); coding-DNA position 4426, C replaced by A.
Protein change: p.His1476Asn; replaces histidine 1476 with asparagine.
Molecular consequence: missense variant.
Genome position (GRCh38, 1-based): chr19:10,137,148, G>T on the plus strand (C>A on the coding strand, the complement: DNMT1 is on the minus strand). VCF-style: chr19-10137148-G-T. GRCh37 (hg19) VCF-style: chr19-10247824-G-T.
Other names: c.4378C>A, p.His1460Asn (NM_001318730.2, NM_001379.4); c.4063C>A, p.His1355Asn (NM_001318731.2); short protein forms H1355N, H1476N, H1460N.
Identifiers: ClinVar variation 958938 (VCV000958938.9), dbSNP rs2089501004, ClinGen allele CA403969432.

ClinVar aggregate classification (germline): Uncertain significance (1 of 4 stars; one submission).

Conditions:
Hereditary sensory neuropathy-deafness-dementia syndrome. Also called: NEUROPATHY, HEREDITARY SENSORY, WITH HEARING LOSS AND DEMENTIA; Hereditary Sensory and Autonomic Neuropathy Type 1E (HSAN1E); Hereditary sensory neuropathy type IE; HSN IE. Identifiers: Orphanet 456318, MedGen C3279885, MONDO:0013584, OMIM 614116.

Allele frequency attached by ClinVar (database versions not stated): gnomAD exomes below 0.00001.
gnomAD v4.1: 1 of 1,610,690 alleles (0.000062%); highest among the groups gnomAD compares: Non-Finnish European, 0.000085%; no homozygotes.

Submission:

Labcorp Genetics (formerly Invitae), Labcorp
Classification: Uncertain significance for Hereditary sensory neuropathy-deafness-dementia syndrome. Last evaluated: 2019-10-16. Review status: criteria provided, single submitter. Criteria: Invitae Variant Classification Sherloc (09022015). Collection method: clinical testing. Allele origin: germline.
Comment: This variant has not been reported in the literature in individuals with DNMT1-related conditions. This variant is not present in population databases (ExAC no frequency). This sequence change replaces histidine with asparagine at codon 1476 of the DNMT1 protein (p.His1476Asn). The histidine residue is moderately conserved and there is a small physicochemical difference between histidine and asparagine. Algorithms developed to predict the effect of missense changes on protein structure and function (SIFT, PolyPhen-2, Align-GVGD) all suggest that this variant is likely to be tolerated, but these predictions have not been confirmed by published functional studies and their clinical significance is uncertain. In summary, the available evidence is currently insufficient to determine the role of this variant in disease. Therefore, it has been classified as a Variant of Uncertain Significance.